The following is an entry in ClinVar:

ClinVar aggregate classification (germline): Likely benign. Review status: criteria provided, multiple submitters, no conflicts (2 of 4 stars). 4 submissions from 4 submitters: Likely benign (4). Last evaluated 2026-01-19.

Conditions:
Congenital myasthenic syndrome 8. Also called: Myasthenic syndrome, congenital, 8, with pre- and postsynaptic defects; MYASTHENIC SYNDROME, CONGENITAL, DUE TO AGRIN DEFICIENCY. Identifiers: Orphanet 590, MedGen C3808739, MONDO:0014052, OMIM 615120.

Allele frequency attached by ClinVar (database versions not stated): 1000 Genomes Project 30x 0.00016; 1000 Genomes Project 0.00040; gnomAD exomes 0.00091; gnomAD 0.00099 and 0.00104; ExAC 0.00110; TOPMed 0.00110; ESP Exome Variant Server 0.00134.
gnomAD v4.1: 2,237 of 1,557,644 alleles (0.14%); highest among the groups gnomAD compares: Non-Finnish European, 0.18%; 3 homozygotes.

Submissions (4):

Labcorp Genetics (formerly Invitae), Labcorp
Classification: Likely benign for Congenital myasthenic syndrome 8. Last evaluated: 2026-01-19. Review status: criteria provided, single submitter. Criteria: Invitae Variant Classification Sherloc (09022015). Collection method: clinical testing. Allele origin: germline.

Blueprint Genetics
Classification: Likely benign. Last evaluated: 2024-11-21. Review status: criteria provided, single submitter. Criteria: ACMG Guidelines, 2015. Collection method: clinical testing. Allele origin: germline.

GeneDx
Classification: Likely benign. Last evaluated: 2016-10-13. Review status: criteria provided, single submitter. Criteria: GeneDx Variant Classification (06012015). Collection method: clinical testing. Allele origin: germline. Affected: yes.
Comment: This variant is considered likely benign or benign based on one or more of the following criteria: it is a conservative change, it occurs at a poorly conserved position in the protein, it is predicted to be benign by multiple in silico algorithms, and/or has population frequency not consistent with disease.

PreventionGenetics, part of Exact Sciences
Classification: Likely benign. Review status: criteria provided, single submitter. Criteria: ACMG Guidelines, 2015. Collection method: clinical testing. Allele origin: germline.

NM_198576.4(AGRN):c.5370+11G>A

Gene: AGRN (agrin; plus strand). Cytogenetic location: 1p36.33.
Variant type: single nucleotide variant.
Coding change: c.5370+11G>A on transcript NM_198576.4 (MANE Select); 11 bases into the intron after coding-DNA position 5370, G replaced by A.
Molecular consequence: intron variant.
Genome position (GRCh38, 1-based): chr1:1,051,380, G>A. VCF-style: chr1-1051380-G-A. GRCh37 (hg19) VCF-style: chr1-986760-G-A.
Other names: c.5382+11G>A (NM_001305275.2); c.5067+11G>A (NM_001364727.2).
Identifiers: ClinVar variation 263198 (VCV000263198.12), dbSNP rs373058941, ClinGen allele CA509996.